The following is an entry in ClinVar:

ClinVar aggregate classification (germline): Uncertain significance (1 of 4 stars; one submission).

Conditions:
Developmental and epileptic encephalopathy, 9 (DEE9). Also called: Early infantile epileptic encephalopathy 9; EPILEPSY, FEMALE-RESTRICTED, WITH MENTAL RETARDATION; PCDH19-Related X-Linked Female-Limited Epilepsy with Mental Retardation; JUBERG-HELLMAN SYNDROME. Identifiers: Orphanet 101039, Orphanet 2076, MedGen C1848137, MONDO:0010246, OMIM 300088. Disease mechanism: loss of function.

Submission:

Labcorp Genetics (formerly Invitae), Labcorp
Classification: Uncertain significance for Developmental and epileptic encephalopathy, 9. Last evaluated: 2022-04-16. Review status: criteria provided, single submitter. Criteria: Invitae Variant Classification Sherloc (09022015). Collection method: clinical testing. Allele origin: germline.
Comment: Algorithms developed to predict the effect of missense changes on protein structure and function are either unavailable or do not agree on the potential impact of this missense change (SIFT: "Deleterious"; PolyPhen-2: "Probably Damaging"; Align-GVGD: "Class C0"). In summary, the available evidence is currently insufficient to determine the role of this variant in disease. Therefore, it has been classified as a Variant of Uncertain Significance. This variant has not been reported in the literature in individuals affected with PCDH19-related conditions. This sequence change replaces asparagine, which is neutral and polar, with serine, which is neutral and polar, at codon 66 of the PCDH19 protein (p.Asn66Ser). The frequency data for this variant in the population databases is considered unreliable, as metrics indicate poor data quality at this position in the gnomAD database.

NM_001184880.2(PCDH19):c.197A>G (p.Asn66Ser)

Gene: PCDH19 (protocadherin 19; minus strand). Cytogenetic location: Xq22.1.
Variant type: single nucleotide variant.
Coding change: c.197A>G on transcript NM_001184880.2 (MANE Select); coding-DNA position 197, A replaced by G.
Protein change: p.Asn66Ser; replaces asparagine 66 with serine.
Molecular consequence: missense variant.
Genome position (GRCh38, 1-based): chrX:100,408,401, T>C on the plus strand (A>G on the coding strand, the complement: PCDH19 is on the minus strand). VCF-style: chrX-100408401-T-C. GRCh37 (hg19) VCF-style: chrX-99663399-T-C.
Other names: c.197A>G, p.Asn66Ser (NM_001105243.2, NM_020766.3); short protein forms N66S.
Identifiers: ClinVar variation 2126662 (VCV002126662.4), dbSNP rs1357065341, ClinGen allele CA414011176.